The following is an entry in ClinVar:

NM_005422.4(TECTA):c.3773T>A (p.Leu1258Gln)

Genes: TBCEL-TECTA (TBCEL-TECTA readthrough; plus strand), TECTA (tectorin alpha; plus strand). Cytogenetic location: 11q23.3.
Variant type: single nucleotide variant.
Coding change: c.3773T>A on transcript NM_005422.4 (MANE Select); coding-DNA position 3773, T replaced by A.
Protein change: p.Leu1258Gln; replaces leucine 1258 with glutamine.
Molecular consequence: missense variant.
Genome position (GRCh38, 1-based): chr11:121,145,784, T>A. VCF-style: chr11-121145784-T-A. GRCh37 (hg19) VCF-style: chr11-121016493-T-A.
Other names: c.4730T>A, p.Leu1577Gln (NM_001378761.1); short protein forms L1258Q, L1577Q.
Identifiers: ClinVar variation 2969140 (VCV002969140.3), dbSNP rs2496952367, ClinGen allele CA383022326.

ClinVar aggregate classification (germline): Uncertain significance (1 of 4 stars; one submission).

gnomAD v4.1: 1 of 1,614,230 alleles (0.000062%); no homozygotes.

Submission:

Labcorp Genetics (formerly Invitae), Labcorp
Classification: Uncertain significance. Last evaluated: 2024-03-22. Review status: criteria provided, single submitter. Criteria: Invitae Variant Classification Sherloc (09022015). Collection method: clinical testing. Allele origin: germline.
Comment: This sequence change replaces leucine, which is neutral and non-polar, with glutamine, which is neutral and polar, at codon 1258 of the TECTA protein (p.Leu1258Gln). This variant is not present in population databases (gnomAD no frequency). This variant has not been reported in the literature in individuals affected with TECTA-related conditions. Advanced modeling of protein sequence and biophysical properties (such as structural, functional, and spatial information, amino acid conservation, physicochemical variation, residue mobility, and thermodynamic stability) performed at Invitae indicates that this missense variant is not expected to disrupt TECTA protein function with a negative predictive value of 95%. In summary, the available evidence is currently insufficient to determine the role of this variant in disease. Therefore, it has been classified as a Variant of Uncertain Significance.